The following is an entry in ClinVar:

ClinVar aggregate classification (germline): Uncertain significance (1 of 4 stars; one submission).

Allele frequency attached by ClinVar (database versions not stated): gnomAD exomes 0.00001.
gnomAD v4.1: 6 of 1,192,837 alleles (0.0005%); highest among the groups gnomAD compares: Middle Eastern, 0.047%; no homozygotes.

Submission:

Labcorp Genetics (formerly Invitae), Labcorp
Classification: Uncertain significance. Last evaluated: 2022-12-02. Review status: criteria provided, single submitter. Criteria: Invitae Variant Classification Sherloc (09022015). Collection method: clinical testing. Allele origin: germline.
Comment: This sequence change replaces tyrosine, which is neutral and polar, with cysteine, which is neutral and slightly polar, at codon 49 of the PIH1D3 protein (p.Tyr49Cys). In summary, the available evidence is currently insufficient to determine the role of this variant in disease. Therefore, it has been classified as a Variant of Uncertain Significance. Algorithms developed to predict the effect of missense changes on protein structure and function (SIFT, PolyPhen-2, Align-GVGD) all suggest that this variant is likely to be tolerated. This variant has not been reported in the literature in individuals affected with PIH1D3-related conditions. This variant is present in population databases (no rsID available, gnomAD 0.005%), including at least one homozygous and/or hemizygous individual.

NM_173494.2(DNAAF6):c.146A>G (p.Tyr49Cys)

Gene: DNAAF6 (dynein axonemal assembly factor 6; plus strand). Cytogenetic location: Xq22.3.
Variant type: single nucleotide variant.
Coding change: c.146A>G on transcript NM_173494.2 (MANE Select); coding-DNA position 146, A replaced by G.
Protein change: p.Tyr49Cys; replaces tyrosine 49 with cysteine.
Molecular consequence: missense variant.
Genome position (GRCh38, 1-based): chrX:107,213,021, A>G. VCF-style: chrX-107213021-A-G. GRCh37 (hg19) VCF-style: chrX-106456251-A-G.
Other names: c.146A>G, p.Tyr49Cys (NM_001169154.2); short protein forms Y49C.
Identifiers: ClinVar variation 3004808 (VCV003004808.3), dbSNP rs1177840478, ClinGen allele CA413887472.
Genomic context (GRCh38, chrX:107,213,021, plus strand): 5'-TTACAGCTCTGGAAGCCCTCTCTAAGCTACTTAATCCTGAAGAAGAGGATGATTCTGACT[A>G]TGGACAGGTGGTCATATACTTAACAGTTGAATTAGTTTTGTTCATGGGAAGTTGTGGAAC-3'
Protein context (NP_775765.1, residues 39-59): LNPEEEDDSD[Tyr49Cys]GQTNGLSTIG